The following is an entry in ClinVar:

NM_022552.5(DNMT3A):c.1545A>G (p.Gln515=)

Gene: DNMT3A (DNA methyltransferase 3 alpha; minus strand). Cytogenetic location: 2p23.3.
Variant type: single nucleotide variant.
Coding change: c.1545A>G on transcript NM_022552.5 (MANE Select); coding-DNA position 1545, A replaced by G.
Protein change: p.Gln515=; no amino-acid change (glutamine 515 retained).
Molecular consequence: synonymous variant. On other transcripts: non-coding transcript variant (1).
Genome position (GRCh38, 1-based): chr2:25,245,262, T>C on the plus strand (A>G on the coding strand, the complement: DNMT3A is on the minus strand). VCF-style: chr2-25245262-T-C. GRCh37 (hg19) VCF-style: chr2-25468131-T-C.
Other names: c.1545A>G (NM_022552.3); c.1089A>G, p.Gln363= (NM_001320893.1); c.876A>G, p.Gln292= (NM_001375819.1); c.978A>G, p.Gln326= (NM_153759.3); c.1545A>G, p.Gln515= (NM_175629.2).
Identifiers: ClinVar variation 2078305 (VCV002078305.6), dbSNP rs1266524531, ClinGen allele CA425183319.

ClinVar aggregate classification (germline): Likely benign. Review status: criteria provided, multiple submitters, no conflicts (2 of 4 stars). 3 submissions from 3 submitters: Likely benign (2). 1 of the submissions does not count toward it. Last evaluated 2024-10-04.

Conditions:
Inborn genetic diseases. Identifiers: MedGen C0950123, MeSH D030342.
DNMT3A-related disorder. Also called: DNMT3A-related disorders; DNMT3A-related condition.
Tatton-Brown-Rahman overgrowth syndrome. Also called: Tatton-Brown-Rahman syndrome; Tall stature-intellectual disability-facial dysmorphism syndrome. Identifiers: Orphanet 404443, MedGen C4014545, MONDO:0014382, OMIM 615879.

Allele frequency attached by ClinVar (database versions not stated): TOPMed 0.00001; gnomAD 0.00002.
gnomAD v4.1: 10 of 1,613,788 alleles (0.00062%); highest among the groups gnomAD compares: Non-Finnish European, 0.00085%; no homozygotes.

Submissions (3):

Ambry Genetics
Classification: Likely benign for Inborn genetic diseases. Last evaluated: 2024-10-04. Review status: criteria provided, single submitter. Criteria: Ambry Variant Classification Scheme 2023. Collection method: clinical testing. Allele origin: germline.

Labcorp Genetics (formerly Invitae), Labcorp
Classification: Likely benign for Tatton-Brown-Rahman overgrowth syndrome. Last evaluated: 2024-04-10. Review status: criteria provided, single submitter. Criteria: Invitae Variant Classification Sherloc (09022015). Collection method: clinical testing. Allele origin: germline.

PreventionGenetics, part of Exact Sciences
Classification: Likely benign for DNMT3A-related condition. Last evaluated: 2023-05-08. Review status: no assertion criteria provided. Collection method: clinical testing. Allele origin: germline. Not counted in ClinVar's aggregate classification.
Comment: This variant is classified as likely benign based on ACMG/AMP sequence variant interpretation guidelines (Richards et al. 2015 PMID: 25741868, with internal and published modifications).